The following is an entry in ClinVar:

NM_170784.3(MKKS):c.1613C>A (p.Thr538Asn)

Gene: MKKS (MKKS centrosomal shuttling protein; minus strand). Cytogenetic location: 20p12.2.
Variant type: single nucleotide variant.
Coding change: c.1613C>A on transcript NM_170784.3 (MANE Select); coding-DNA position 1613, C replaced by A.
Protein change: p.Thr538Asn; replaces threonine 538 with asparagine.
Molecular consequence: missense variant. On other transcripts: non-coding transcript variant (1).
Genome position (GRCh38, 1-based): chr20:10,405,347, G>T on the plus strand (C>A on the coding strand, the complement: MKKS is on the minus strand). VCF-style: chr20-10405347-G-T. GRCh37 (hg19) VCF-style: chr20-10385995-G-T.
Other names: c.1613C>A, p.Thr538Asn (NM_018848.3); short protein forms T538N.
Identifiers: ClinVar variation 3587026 (VCV003587026.2).
Genomic context (GRCh38, chr20:10,405,347, plus strand): 5'-AAATTGGCTGTCTCTACAGCCACCTGTAGGCCACTAAGCTTTGCAGTCAAACAGTCCAAG[G>T]TCAGGTTGCTGGCTGAGCCCACAGCTTCATGTGGAAGGCAGCTTTGTGGCACAAATGGAC-3'
Protein context (NP_740754.1, residues 528-548): HEAVGSASNL[Thr538Asn]LDCLTAKLSG

ClinVar aggregate classification (germline): Uncertain significance. Review status: criteria provided, multiple submitters, no conflicts (2 of 4 stars). 2 submissions from 2 submitters: Uncertain significance (2). Last evaluated 2026-08-18.

Conditions:
McKusick-Kaufman syndrome (MKKS). Also called: HYDROMETROCOLPOS SYNDROME; HYDROMETROCOLPOS, POSTAXIAL POLYDACTYLY, AND CONGENITAL HEART MALFORMATION. Identifiers: Orphanet 2473, MedGen C0948368, MONDO:0009367, OMIM 236700.
Bardet-Biedl syndrome 6 (BBS6). Identifiers: Orphanet 110, MedGen C1858054, MONDO:0011523, OMIM 605231.
MKKS-related disorder. Also called: MKKS-related condition; MKKS-related disorders.

gnomAD v4.1: 2 of 1,614,178 alleles (0.00012%); highest among the groups gnomAD compares: Admixed American, 0.0017%; no homozygotes.

Submissions (2):

PreventionGenetics, part of Exact Sciences
Classification: Uncertain significance for MKKS-related condition. Last evaluated: 2026-08-18. Review status: criteria provided, single submitter. Criteria: ACMG Guidelines, 2015. Collection method: clinical testing. Allele origin: germline.
Comment: The MKKS c.1613C>A variant is predicted to result in the amino acid substitution p.Thr538Asn. To our knowledge, this variant has not been reported in the literature or in a large population database (gnomAD), indicating this variant is rare. At this time, the clinical significance of this variant is uncertain due to the absence of conclusive functional and genetic evidence.

Fulgent Genetics
Classification: Uncertain significance for McKusick-Kaufman syndrome; Bardet-Biedl syndrome 6. Last evaluated: 2024-02-23. Review status: criteria provided, single submitter. Criteria: ACMG Guidelines, 2015. Collection method: clinical testing. Allele origin: germline.